The following is an entry in ClinVar:

NM_001375524.1(TRRAP):c.535A>G (p.Ile179Val)

Gene: TRRAP (transformation/transcription domain associated protein; plus strand). Cytogenetic location: 7q22.1.
Variant type: single nucleotide variant.
Coding change: c.535A>G on transcript NM_001375524.1 (MANE Select); coding-DNA position 535, A replaced by G.
Protein change: p.Ile179Val; replaces isoleucine 179 with valine.
Molecular consequence: missense variant.
Genome position (GRCh38, 1-based): chr7:98,897,768, A>G. VCF-style: chr7-98897768-A-G. GRCh37 (hg19) VCF-style: chr7-98495391-A-G.
Other names: c.535A>G, p.Ile179Val (NM_001244580.2, NM_003496.4); short protein forms I179V.
Identifiers: ClinVar variation 3640992 (VCV003640992.2).

ClinVar aggregate classification (germline): Uncertain significance (1 of 4 stars; one submission).

Submission:

Labcorp Genetics (formerly Invitae), Labcorp
Classification: Uncertain significance. Last evaluated: 2025-06-12. Review status: criteria provided, single submitter. Criteria: Invitae Variant Classification Sherloc (09022015). Collection method: clinical testing. Allele origin: germline.
Comment: This sequence change replaces isoleucine, which is neutral and non-polar, with valine, which is neutral and non-polar, at codon 179 of the TRRAP protein (p.Ile179Val). This variant is not present in population databases (gnomAD no frequency). This variant has not been reported in the literature in individuals affected with TRRAP-related conditions. ClinVar contains an entry for this variant (Variation ID: 3640992). Invitae Evidence Modeling of protein sequence and biophysical properties (such as structural, functional, and spatial information, amino acid conservation, physicochemical variation, residue mobility, and thermodynamic stability) indicates that this missense variant is not expected to disrupt TRRAP protein function with a negative predictive value of 80%. In summary, the available evidence is currently insufficient to determine the role of this variant in disease. Therefore, it has been classified as a Variant of Uncertain Significance.